The following is an entry in ClinVar:

NM_002386.4(MC1R):c.530C>G (p.Thr177Arg)

Gene: MC1R (melanocortin 1 receptor; plus strand). Cytogenetic location: 16q24.3.
Variant type: single nucleotide variant.
Coding change: c.530C>G on transcript NM_002386.4 (MANE Select); coding-DNA position 530, C replaced by G.
Protein change: p.Thr177Arg; replaces threonine 177 with arginine.
Molecular consequence: missense variant.
Genome position (GRCh38, 1-based): chr16:89,919,788, C>G. VCF-style: chr16-89919788-C-G. GRCh37 (hg19) VCF-style: chr16-89986196-C-G.
Other names: short protein forms T177R.
Identifiers: ClinVar variation 4104875 (VCV004104875.1).

ClinVar aggregate classification (germline): Uncertain significance (1 of 4 stars; one submission).

gnomAD v4.1: 1 of 1,608,278 alleles (0.000062%); highest among the groups gnomAD compares: African/African-American, 0.0013%; no homozygotes.

Submission:

Ambry Genetics
Classification: Uncertain significance. Last evaluated: 2025-08-20. Review status: criteria provided, single submitter. Criteria: Ambry Variant Classification Scheme 2023. Collection method: clinical testing. Allele origin: germline.
Comment: The p.T177R variant (also known as c.530C>G), located in coding exon 1 of the MC1R gene, results from a C to G substitution at nucleotide position 530. The threonine at codon 177 is replaced by arginine, an amino acid with similar properties. This amino acid position is conserved. In addition, the in silico prediction for this alteration is inconclusive. Based on the available evidence, the clinical significance of this variant remains unclear.